The following is an entry in ClinVar:

NM_006946.4(SPTBN2):c.266G>A (p.Arg89His)

Gene: SPTBN2 (spectrin beta, non-erythrocytic 2; minus strand). Cytogenetic location: 11q13.2.
Variant type: single nucleotide variant.
Coding change: c.266G>A on transcript NM_006946.4 (MANE Select); coding-DNA position 266, G replaced by A.
Protein change: p.Arg89His; replaces arginine 89 with histidine.
Molecular consequence: missense variant.
Genome position (GRCh38, 1-based): chr11:66,715,873, C>T on the plus strand (G>A on the coding strand, the complement: SPTBN2 is on the minus strand). VCF-style: chr11-66715873-C-T. GRCh37 (hg19) VCF-style: chr11-66483344-C-T.
Other names: c.266G>A (NM_006946.2); short protein forms R89H.
Identifiers: ClinVar variation 1431078 (VCV001431078.9), dbSNP rs374485184, ClinGen allele CA6129721.

ClinVar aggregate classification (germline): Uncertain significance. Review status: criteria provided, multiple submitters, no conflicts (2 of 4 stars). 3 submissions from 3 submitters: Uncertain significance (3). Last evaluated 2025-06-06.

Conditions:
Inborn genetic diseases. Identifiers: MedGen C0950123, MeSH D030342.

gnomAD v4.1: 23 of 1,614,104 alleles (0.0014%); highest among the groups gnomAD compares: Middle Eastern, 0.017%; no homozygotes.

Submissions (3):

Ambry Genetics
Classification: Uncertain significance for Inborn genetic diseases. Last evaluated: 2025-06-06. Review status: criteria provided, single submitter. Criteria: Ambry Variant Classification Scheme 2023. Collection method: clinical testing. Allele origin: germline.

Labcorp Genetics (formerly Invitae), Labcorp
Classification: Uncertain significance. Last evaluated: 2024-03-13. Review status: criteria provided, single submitter. Criteria: Invitae Variant Classification Sherloc (09022015). Collection method: clinical testing. Allele origin: germline.
Comment: This sequence change replaces arginine, which is basic and polar, with histidine, which is basic and polar, at codon 89 of the SPTBN2 protein (p.Arg89His). This variant is present in population databases (rs374485184, gnomAD 0.0009%). This variant has not been reported in the literature in individuals affected with SPTBN2-related conditions. ClinVar contains an entry for this variant (Variation ID: 1431078). Advanced modeling of protein sequence and biophysical properties (such as structural, functional, and spatial information, amino acid conservation, physicochemical variation, residue mobility, and thermodynamic stability) performed at Invitae indicates that this missense variant is expected to disrupt SPTBN2 protein function with a positive predictive value of 80%. In summary, the available evidence is currently insufficient to determine the role of this variant in disease. Therefore, it has been classified as a Variant of Uncertain Significance.

Women's Health and Genetics/Laboratory Corporation of America, LabCorp
Classification: Uncertain significance. Last evaluated: 2023-01-16. Review status: criteria provided, single submitter. Criteria: LabCorp Variant Classification Summary - May 2015. Collection method: clinical testing. Allele origin: germline.
Comment: Variant summary: SPTBN2 c.266G>A (p.Arg89His) results in a non-conservative amino acid change located in the Calponin homology domain (IPR001715) of the encoded protein sequence. Four of five in-silico tools predict a damaging effect of the variant on protein function. The variant allele was found at a frequency of 4e-06 in 251116 control chromosomes. The available data on variant occurrences in the general population are insufficient to allow any conclusion about variant significance. To our knowledge, no occurrence of c.266G>A in individuals affected with Spinocerebellar Ataxia 5 and no experimental evidence demonstrating its impact on protein function have been reported. One clinical diagnostic laboratory has submitted clinical-significance assessments for this variant to ClinVar after 2014 without evidence for independent evaluation. One laboratory classified the variant as uncertain significance. Based on the evidence outlined above, the variant was classified as uncertain significance.